The following is an entry in ClinVar:

ClinVar aggregate classification (germline): Pathogenic (1 of 4 stars; one submission).

Conditions:
Hereditary leiomyomatosis and renal cell cancer. Also called: MULTIPLE CUTANEOUS AND UTERINE LEIOMYOMATA 1, WITH OR WITHOUT RENAL CELL CARCINOMA; LEIOMYOMA, MULTIPLE CUTANEOUS; Familial leiomyomatosis; Multiple cutaneous leiomyomas; FH tumor predisposition syndrome; Reed syndrome. Identifiers: Orphanet 523, MedGen C1708350, MONDO:0007888, OMIM 150800, HP:0007437. Disease mechanism: loss of function.

Submission:

Myriad Genetics, Inc.
Classification: Pathogenic for Hereditary leiomyomatosis and renal cell cancer. Last evaluated: 2026-03-24. Review status: criteria provided, single submitter. Criteria: Myriad Autosomal Dominant, Autosomal Recessive and X-Linked Classification Criteria (2023). Collection method: clinical testing. Allele origin: unknown.
Comment: This variant is considered pathogenic. This variant creates a frameshift predicted to result in premature protein truncation.

NM_000143.4(FH):c.1204_1206delinsAA (p.His402fs)

Gene: FH (fumarate hydratase; minus strand). Cytogenetic location: 1q43.
Variant type: Indel.
Coding change: c.1204_1206delinsAA on transcript NM_000143.4 (MANE Select); coding-DNA positions 1204 to 1206, CAT replaced by AA.
Protein change: p.His402fs; shifts the reading frame from histidine 402.
Molecular consequence: frameshift variant.
Genome position (GRCh38, 1-based): chr1:241,502,473-241,502,475, ATG replaced by TT on the plus strand (CAT replaced by AA on the coding strand, the reverse complement: FH is on the minus strand). VCF-style: chr1-241502473-ATG-TT. GRCh37 (hg19) VCF-style: chr1-241665773-ATG-TT.
Other names: short protein forms H402fs.
Identifiers: ClinVar variation 4856765 (VCV004856765.1).